The following is an entry in ClinVar:

NM_012233.3(RAB3GAP1):c.2007C>A (p.His669Gln)

Gene: RAB3GAP1 (RAB3 GTPase activating protein catalytic subunit 1; plus strand). Cytogenetic location: 2q21.3.
Variant type: single nucleotide variant.
Coding change: c.2007C>A on transcript NM_012233.3 (MANE Select); coding-DNA position 2007, C replaced by A.
Protein change: p.His669Gln; replaces histidine 669 with glutamine.
Molecular consequence: missense variant.
Genome position (GRCh38, 1-based): chr2:135,150,452, C>A. VCF-style: chr2-135150452-C-A. GRCh37 (hg19) VCF-style: chr2-135908022-C-A.
Other names: c.2007C>A, p.His669Gln (NM_001172435.2); short protein forms H669Q.
Identifiers: ClinVar variation 130066 (VCV000130066.15), dbSNP rs587780426, ClinGen allele CA231431.

ClinVar aggregate classification (germline): Uncertain significance. Review status: criteria provided, multiple submitters, no conflicts (2 of 4 stars). 5 submissions from 5 submitters: Uncertain significance (5). Last evaluated 2025-02-26.

Conditions:
Inborn genetic diseases. Identifiers: MedGen C0950123, MeSH D030342.
Warburg micro syndrome 1 (WARBM1). Identifiers: Orphanet 2510, MedGen C1838625, MONDO:0010822, OMIM 600118.

Allele frequency attached by ClinVar (database versions not stated): ExAC 0.00002; gnomAD exomes 0.00002 and 0.00003; gnomAD 0.00005 and 0.00006; TOPMed 0.00007.
gnomAD v4.1: 48 of 1,614,052 alleles (0.003%); highest among the groups gnomAD compares: Admixed American, 0.018%; no homozygotes.

Submissions (5):

Ambry Genetics
Classification: Uncertain significance for Inborn genetic diseases. Last evaluated: 2025-02-26. Review status: criteria provided, single submitter. Criteria: Ambry Variant Classification Scheme 2023. Collection method: clinical testing. Allele origin: germline.

Labcorp Genetics (formerly Invitae), Labcorp
Classification: Uncertain significance. Last evaluated: 2022-11-15. Review status: criteria provided, single submitter. Criteria: Invitae Variant Classification Sherloc (09022015). Collection method: clinical testing. Allele origin: germline.
Comment: In summary, the available evidence is currently insufficient to determine the role of this variant in disease. Therefore, it has been classified as a Variant of Uncertain Significance. Advanced modeling of protein sequence and biophysical properties (such as structural, functional, and spatial information, amino acid conservation, physicochemical variation, residue mobility, and thermodynamic stability) performed at Invitae indicates that this missense variant is not expected to disrupt RAB3GAP1 protein function. ClinVar contains an entry for this variant (Variation ID: 130066). This variant has not been reported in the literature in individuals affected with RAB3GAP1-related conditions. This variant is present in population databases (rs587780426, gnomAD 0.01%). This sequence change replaces histidine, which is basic and polar, with glutamine, which is neutral and polar, at codon 669 of the RAB3GAP1 protein (p.His669Gln).

GeneDx
Classification: Uncertain significance. Last evaluated: 2021-12-23. Review status: criteria provided, single submitter. Criteria: GeneDx Variant Classification Process June 2021. Collection method: clinical testing. Allele origin: germline. Affected: yes.
Comment: In silico analysis supports that this missense variant does not alter protein structure/function; Has not been previously published as pathogenic or benign to our knowledge

Illumina Laboratory Services, Illumina
Classification: Uncertain significance for Warburg micro syndrome 1. Last evaluated: 2018-01-13. Review status: criteria provided, single submitter. Criteria: ICSL Variant Classification Criteria 13 December 2019. Collection method: clinical testing. Allele origin: germline.

Genetic Services Laboratory, University of Chicago
Classification: Uncertain significance. Last evaluated: 2013-11-20. Review status: criteria provided, single submitter. Criteria: ACMG Guidelines, 2007. Collection method: clinical testing. Allele origin: germline. Inheritance: Autosomal recessive inheritance.